The following is an entry in ClinVar:

NM_020843.4(SCAPER):c.3030T>C (p.Phe1010=)

Gene: SCAPER (S-phase cyclin A associated protein in the ER; minus strand). Cytogenetic location: 15q24.3.
Variant type: single nucleotide variant.
Coding change: c.3030T>C on transcript NM_020843.4 (MANE Select); coding-DNA position 3030, T replaced by C.
Protein change: p.Phe1010=; no amino-acid change (phenylalanine 1010 retained).
Molecular consequence: synonymous variant. On other transcripts: non-coding transcript variant (1).
Genome position (GRCh38, 1-based): chr15:76,471,260, A>G on the plus strand (T>C on the coding strand, the complement: SCAPER is on the minus strand). VCF-style: chr15-76471260-A-G. GRCh37 (hg19) VCF-style: chr15-76763601-A-G.
Other names: c.2292T>C, p.Phe764= (NM_001145923.2); c.3048T>C, p.Phe1016= (NM_001353009.2); c.2628T>C, p.Phe876= (NM_001353010.2, NM_001353012.2); c.2646T>C, p.Phe882= (NM_001353011.2).
Identifiers: ClinVar variation 5039634 (VCV005039634.1).

ClinVar aggregate classification (germline): Likely benign (1 of 4 stars; one submission).

gnomAD v4.1: 1 of 1,612,720 alleles (0.000062%); highest among the groups gnomAD compares: Non-Finnish European, 0.000085%; no homozygotes.

Submission:

CeGaT Center for Human Genetics Tuebingen
Classification: Likely benign. Last evaluated: 2026-07-01. Review status: criteria provided, single submitter. Criteria: CeGaT Center For Human Genetics Tuebingen Variant Classification Criteria Version 2. Collection method: clinical testing. Allele origin: germline. Affected: yes. Observed: 1 variant allele.
Comment: SCAPER: BP4, BP7